The following is an entry in ClinVar:

ClinVar aggregate classification (germline): Uncertain significance. Review status: criteria provided, multiple submitters, no conflicts (2 of 4 stars). 3 submissions from 3 submitters: Uncertain significance (3). Last evaluated 2025-12-23.

Conditions:
Inborn genetic diseases. Identifiers: MedGen C0950123, MeSH D030342.
Pulmonary fibrosis and/or bone marrow failure, Telomere-related, 3. Also called: PULMONARY FIBROSIS AND/OR BONE MARROW FAILURE SYNDROME, TELOMERE-RELATED, 3. Identifiers: Orphanet 2032, MedGen C4225346, MONDO:0014613, OMIM 616373.
Dyskeratosis congenita, autosomal recessive 5 (DKCB5). Identifiers: MedGen C3554656, MONDO:0014076, OMIM 615190.
Dyskeratosis congenita. Identifiers: Orphanet 1775, MedGen C0265965, MONDO:0015780.

Allele frequency attached by ClinVar (database versions not stated): gnomAD 0.00005; TOPMed 0.00007; ESP Exome Variant Server 0.00008; gnomAD exomes 0.00008 and 0.00009; ExAC 0.00010; 1000 Genomes Project 30x 0.00016; 1000 Genomes Project 0.00020.
gnomAD v4.1: 133 of 1,612,608 alleles (0.0082%); highest among the groups gnomAD compares: East Asian, 0.018%; 1 homozygote.

Submissions (3):

Labcorp Genetics (formerly Invitae), Labcorp
Classification: Uncertain significance for Dyskeratosis congenita, autosomal recessive 5; Pulmonary fibrosis and/or bone marrow failure, Telomere-related, 3. Last evaluated: 2025-12-23. Review status: criteria provided, single submitter. Criteria: Invitae Variant Classification Sherloc (09022015). Collection method: clinical testing. Allele origin: germline.
Comment: This sequence change replaces alanine, which is neutral and non-polar, with valine, which is neutral and non-polar, at codon 1074 of the RTEL1 protein (p.Ala1074Val). This variant is present in population databases (rs370571374, gnomAD 0.04%). This variant has not been reported in the literature in individuals affected with RTEL1-related conditions. ClinVar contains an entry for this variant (Variation ID: 1692628). An algorithm developed to predict the effect of missense changes on protein structure and function (PolyPhen-2) suggests that this variant is likely to be tolerated. In summary, the available evidence is currently insufficient to determine the role of this variant in disease. Therefore, it has been classified as a Variant of Uncertain Significance.

Ambry Genetics
Classification: Uncertain significance for Inborn genetic diseases. Last evaluated: 2025-09-11. Review status: criteria provided, single submitter. Criteria: Ambry Variant Classification Scheme 2023. Collection method: clinical testing. Allele origin: germline.

Sema4
Classification: Uncertain significance for Dyskeratosis congenita. Last evaluated: 2021-04-19. Review status: criteria provided, single submitter. Criteria: Sema4 Curation Guidelines. Collection method: curation. Allele origin: germline.
Comment: The RTEL1 c.3221C>T (p.A1074V) variant has not been reported in the literature to our knowledge. It was observed in 8/19888 chromosomes of the East Asian subpopulation in the large and broad cohorts of the Genome Aggregation Database. The variant has not been reported in ClinVar. In silico tools suggest the impact of the variant on protein function is inconclusive, though these predictions have not been confirmed by functional studies. The evidence is insufficient to meet ACMG/AMP criteria for classifying the variant as benign or pathogenic. Thus, the clinical significance of this variant is currently uncertain.

NM_001283009.2(RTEL1):c.3221C>T (p.Ala1074Val)

Genes: RTEL1 (regulator of telomere elongation helicase 1; plus strand), RTEL1-TNFRSF6B (RTEL1-TNFRSF6B readthrough (NMD candidate); plus strand). Cytogenetic location: 20q13.33.
Variant type: single nucleotide variant.
Coding change: c.3221C>T on transcript NM_001283009.2 (MANE Select); coding-DNA position 3221, C replaced by T.
Protein change: p.Ala1074Val; replaces alanine 1074 with valine.
Molecular consequence: missense variant. On other transcripts: non-coding transcript variant (1).
Genome position (GRCh38, 1-based): chr20:63,694,852, C>T. VCF-style: chr20-63694852-C-T. GRCh37 (hg19) VCF-style: chr20-62326205-C-T.
Other names: c.2552C>T, p.Ala851Val (NM_001283010.1); c.3221C>T, p.Ala1074Val (NM_016434.4); c.3293C>T, p.Ala1098Val (NM_032957.5); c.3293C>T (NM_032957.4); short protein forms A1074V, A1098V, A851V.
Identifiers: ClinVar variation 1692628 (VCV001692628.9), dbSNP rs370571374, ClinGen allele CA9965914.